The following is an entry in ClinVar:

NM_032888.4(COL27A1):c.1765G>T (p.Ala589Ser)

Gene: COL27A1 (collagen type XXVII alpha 1 chain; plus strand). Cytogenetic location: 9q32.
Variant type: single nucleotide variant.
Coding change: c.1765G>T on transcript NM_032888.4 (MANE Select); coding-DNA position 1765, G replaced by T.
Protein change: p.Ala589Ser; replaces alanine 589 with serine.
Molecular consequence: missense variant.
Genome position (GRCh38, 1-based): chr9:114,169,320, G>T. VCF-style: chr9-114169320-G-T. GRCh37 (hg19) VCF-style: chr9-116931600-G-T.
Other names: c.1765G>T (NM_032888.2); short protein forms A589S.
Identifiers: ClinVar variation 2982069 (VCV002982069.4), dbSNP rs1849142501, ClinGen allele CA374595363.

ClinVar aggregate classification (germline): Uncertain significance. Review status: criteria provided, multiple submitters, no conflicts (2 of 4 stars). 2 submissions from 2 submitters: Uncertain significance (2). Last evaluated 2024-10-30.

Conditions:
Inborn genetic diseases. Identifiers: MedGen C0950123, MeSH D030342.

Allele frequency attached by ClinVar (database versions not stated): gnomAD exomes below 0.00001; gnomAD 0.00001.
gnomAD v4.1: 2 of 1,612,424 alleles (0.00012%); highest among the groups gnomAD compares: South Asian, 0.0022%; no homozygotes.

Submissions (2):

Labcorp Genetics (formerly Invitae), Labcorp
Classification: Uncertain significance. Last evaluated: 2024-10-30. Review status: criteria provided, single submitter. Criteria: Invitae Variant Classification Sherloc (09022015). Collection method: clinical testing. Allele origin: germline.
Comment: This sequence change replaces alanine, which is neutral and non-polar, with serine, which is neutral and polar, at codon 589 of the COL27A1 protein (p.Ala589Ser). This variant is not present in population databases (gnomAD no frequency). This variant has not been reported in the literature in individuals affected with COL27A1-related conditions. ClinVar contains an entry for this variant (Variation ID: 2982069). Invitae Evidence Modeling of protein sequence and biophysical properties (such as structural, functional, and spatial information, amino acid conservation, physicochemical variation, residue mobility, and thermodynamic stability) indicates that this missense variant is not expected to disrupt COL27A1 protein function with a negative predictive value of 95%. In summary, the available evidence is currently insufficient to determine the role of this variant in disease. Therefore, it has been classified as a Variant of Uncertain Significance.

Ambry Genetics
Classification: Uncertain significance for Inborn genetic diseases. Last evaluated: 2024-09-08. Review status: criteria provided, single submitter. Criteria: Ambry Variant Classification Scheme 2023. Collection method: clinical testing. Allele origin: germline.